The following is an entry in ClinVar:

NM_001035.3(RYR2):c.6556-15A>G

Gene: RYR2 (ryanodine receptor 2; plus strand). Cytogenetic location: 1q43.
Variant type: single nucleotide variant.
Coding change: c.6556-15A>G on transcript NM_001035.3 (MANE Select); 15 bases into the intron before coding-DNA position 6556, A replaced by G.
Molecular consequence: intron variant.
Genome position (GRCh38, 1-based): chr1:237,633,563, A>G. VCF-style: chr1-237633563-A-G. GRCh37 (hg19) VCF-style: chr1-237796863-A-G.
Identifiers: ClinVar variation 923850 (VCV000923850.12), dbSNP rs1431223272, ClinGen allele CA529544465.

ClinVar aggregate classification (germline): Likely benign. Review status: criteria provided, multiple submitters, no conflicts (2 of 4 stars). 3 submissions from 3 submitters: Likely benign (3). Last evaluated 2025-12-03.

Conditions:
Catecholaminergic polymorphic ventricular tachycardia (CVPT). Also called: Catecholamine-induced polymorphic ventricular tachycardia. Identifiers: Orphanet 3286, MedGen C5574922, MONDO:0017990.
Catecholaminergic polymorphic ventricular tachycardia 1. Also called: VENTRICULAR TACHYCARDIA, CATECHOLAMINERGIC POLYMORPHIC, 1, WITH OR WITHOUT ATRIAL DYSFUNCTION AND/OR DILATED CARDIOMYOPATHY; RYR2-Related Catecholaminergic Polymorphic Ventricular Tachycardia; VENTRICULAR TACHYCARDIA, STRESS-INDUCED POLYMORPHIC 1. Identifiers: Orphanet 3286, MedGen C1631597, MONDO:0011484, OMIM 604772.
Cardiomyopathy (CMYO). Also called: Cardiomyopathies. Identifiers: Orphanet 167848, MedGen C0878544, MONDO:0004994, HP:0001638. Inheritance: Various modes of inheritance.

Allele frequency attached by ClinVar (database versions not stated): gnomAD exomes below 0.00001; gnomAD 0.00001; TOPMed 0.00001.
gnomAD v4.1: 16 of 1,613,488 alleles (0.00099%); highest among the groups gnomAD compares: Non-Finnish European, 0.0013%; no homozygotes.

Submissions (3):

Labcorp Genetics (formerly Invitae), Labcorp
Classification: Likely benign for Catecholaminergic polymorphic ventricular tachycardia 1. Last evaluated: 2025-12-03. Review status: criteria provided, single submitter. Criteria: Invitae Variant Classification Sherloc (09022015). Collection method: clinical testing. Allele origin: germline.

All of Us Research Program, National Institutes of Health
Classification: Likely benign for Catecholaminergic polymorphic ventricular tachycardia. Last evaluated: 2023-09-04. Review status: criteria provided, single submitter. Criteria: ACMG Guidelines, 2015. Collection method: clinical testing. Allele origin: germline. Inheritance: Autosomal dominant inheritance. Observed: 6 variant alleles, 6 heterozygotes.
Comment: This study involves interpretation of variants in research participants for the purpose of population health screening. Participant phenotype was not available at the time of variant classification. Additional details can be found in publication PMID: 35346344, PMCID: PMC8962531

Color Diagnostics, LLC DBA Color Health
Classification: Likely benign for Cardiomyopathy. Last evaluated: 2018-12-03. Review status: criteria provided, single submitter. Criteria: ACMG Guidelines, 2015. Collection method: clinical testing. Allele origin: germline.